The following is an entry in ClinVar:

NM_000492.4(CFTR):c.1365G>A (p.Ala455=)

Genes: CFTR (CF transmembrane conductance regulator; plus strand), CFTR-AS1 (CFTR antisense RNA 1; minus strand). Cytogenetic location: 7q31.2.
Variant type: single nucleotide variant.
Coding change: c.1365G>A on transcript NM_000492.4 (MANE Select); coding-DNA position 1365, G replaced by A.
Protein change: p.Ala455=; no amino-acid change (alanine 455 retained).
Molecular consequence: synonymous variant.
Genome position (GRCh38, 1-based): chr7:117,548,796, G>A. VCF-style: chr7-117548796-G-A. GRCh37 (hg19) VCF-style: chr7-117188850-G-A.
Identifiers: ClinVar variation 35820 (VCV000035820.53), dbSNP rs79074685, ClinGen allele CA260214.

ClinVar aggregate classification (germline): Conflicting classifications of pathogenicity. Review status: criteria provided, conflicting classifications (1 of 4 stars). 14 submissions from 14 submitters: Uncertain significance (1); Benign (3); Likely benign (9). 1 of the submissions does not count toward it. Last evaluated 2026-02-04.

Conditions:
CFTR-related disorder (CFTR-RD). Also called: CFTR-related condition; CFTR-related disorders. Identifiers: MedGen C5924204, MONDO:7770004.
Congenital bilateral aplasia of vas deferens from CFTR mutation (CBAVD). Identifiers: Orphanet 48, MedGen C0403814, MONDO:0010178, OMIM 277180. Disease mechanism: loss of function.
Hereditary pancreatitis (PCTT). Also called: Hereditary chronic pancreatitis; PRSS1-Related Hereditary Pancreatitis. Identifiers: Orphanet 676, MedGen C0238339, MONDO:0008185, OMIM 167800.
Cystic fibrosis (CF). Also called: MUCOVISCIDOSIS. Identifiers: Orphanet 586, MedGen C0010674, MONDO:0009061, OMIM 219700. Disease mechanism: loss of function.

Allele frequency attached by ClinVar (database versions not stated): gnomAD exomes 0.00018; 1000 Genomes Project 0.00100; TOPMed 0.00130; ESP Exome Variant Server 0.00131; gnomAD 0.00168 and 0.00183.
gnomAD v4.1: 475 of 1,555,778 alleles (0.031%); highest among the groups gnomAD compares: African/African-American, 0.49%; 1 homozygote.

Submissions (14):

Labcorp Genetics (formerly Invitae), Labcorp
Classification: Benign for Cystic fibrosis. Last evaluated: 2026-02-04. Review status: criteria provided, single submitter. Criteria: Invitae Variant Classification Sherloc (09022015). Collection method: clinical testing. Allele origin: germline.

ARUP Laboratories, Molecular Genetics and Genomics, ARUP Laboratories
Classification: Likely benign. Last evaluated: 2025-06-17. Review status: criteria provided, single submitter. Criteria: ARUP Molecular Germline Variant Investigation Process 2024. Collection method: clinical testing. Allele origin: germline.

Blueprint Genetics
Classification: Likely benign. Last evaluated: 2024-11-13. Review status: criteria provided, single submitter. Criteria: ACMG Guidelines, 2015. Collection method: clinical testing. Allele origin: germline.

Johns Hopkins Genomics, Johns Hopkins University
Classification: Likely benign for Cystic fibrosis. Last evaluated: 2023-07-14. Review status: criteria provided, single submitter. Criteria: ACMG Guidelines, 2015. Collection method: clinical testing. Allele origin: germline.

Department of Pathology and Laboratory Medicine, Sinai Health System
Classification: Likely benign for cystic fibrosis. Last evaluated: 2023-02-03. Review status: criteria provided, single submitter. Criteria: ACMG Guidelines, 2015. Collection method: research. Allele origin: germline.

Women's Health and Genetics/Laboratory Corporation of America, LabCorp
Classification: Benign. Last evaluated: 2022-10-18. Review status: criteria provided, single submitter. Criteria: LabCorp Variant Classification Summary - May 2015. Collection method: clinical testing. Allele origin: germline.
Comment: Variant summary: CFTR c.1365G>A alters a non-conserved nucleotide resulting in a synonymous change. 4/4 computational tools predict no significant impact on normal splicing. However, these predictions have yet to be confirmed by functional studies. The variant allele was found at a frequency of 0.00047 in 229864 control chromosomes. This frequency is not significantly higher than expected for a pathogenic variant in CFTR causing Cystic Fibrosis (0.00047 vs 0.013), allowing no conclusion about variant significance. c.1365G>A has been reported in one individual with chronic respiratory problems without evidence of causality (Shrijver_2005). This report does not provide unequivocal conclusions about association of the variant with Cystic Fibrosis. To our knowledge, no experimental evidence demonstrating an impact on protein function has been reported. Six clinical diagnostic laboratories have submitted clinical-significance assessments for this variant to ClinVar after 2014 without evidence for independent evaluation. Multiple laboratories reported the variant with conflicting assessments, though 4 classified it as benign/likely benign. Based on the evidence outlined above, the variant was classified as benign.

Quest Diagnostics Nichols Institute San Juan Capistrano
Classification: Likely benign. Last evaluated: 2021-08-25. Review status: criteria provided, single submitter. Criteria: Quest Diagnostics criteria. Collection method: clinical testing. Allele origin: unknown.

Genome-Nilou Lab
Classification: Likely benign for Congenital bilateral aplasia of vas deferens from CFTR mutation. Last evaluated: 2021-07-22. Review status: criteria provided, single submitter. Criteria: ACMG Guidelines, 2015. Collection method: clinical testing. Allele origin: germline. Affected: no.

Sema4
Classification: Benign for Hereditary pancreatitis. Last evaluated: 2020-11-09. Review status: criteria provided, single submitter. Criteria: Sema4 Curation Guidelines. Collection method: curation. Allele origin: germline.

Eurofins Ntd Llc (ga)
Classification: Uncertain significance. Last evaluated: 2017-10-11. Review status: criteria provided, single submitter. Criteria: EGL Classification Definitions 2015. Collection method: clinical testing. Allele origin: germline. Observed: 9 variant alleles, 9 heterozygotes.

Illumina Laboratory Services, Illumina
Classification: Likely benign for CFTR-Related Disorders. Last evaluated: 2017-04-28. Review status: criteria provided, single submitter. Criteria: ICSL Variant Classification Criteria 13 December 2019. Collection method: clinical testing. Allele origin: germline.
Comment: This variant was observed as part of a predisposition screen in an ostensibly healthy population. A literature search was performed for the gene, cDNA change, and amino acid change (where applicable). Publications were found based on this search. The evidence from the literature, in combination with allele frequency data from public databases where available, was sufficient to determine this variant is unlikely to cause disease. Therefore, this variant is classified as likely benign.

Ambry Genetics
Classification: Likely benign for Cystic fibrosis. Last evaluated: 2014-12-19. Review status: criteria provided, single submitter. Criteria: Ambry Variant Classification Scheme 2023. Collection method: clinical testing. Allele origin: germline.

PreventionGenetics, part of Exact Sciences
Classification: Likely benign. Review status: criteria provided, single submitter. Criteria: ACMG Guidelines, 2015. Collection method: clinical testing. Allele origin: germline.

Natera, Inc.
Classification: Likely benign for CFTR-related disorders. Last evaluated: 2019-08-05. Review status: no assertion criteria provided. Collection method: clinical testing. Allele origin: germline. Not counted in ClinVar's aggregate classification.

Literature cited by the submitters: PubMed 15858154 (cited by 4 submitters); PubMed 25077647 (cited by Women's Health and Genetics/Laboratory Corporation of America, LabCorp); PubMed 26471113 (cited by Women's Health and Genetics/Laboratory Corporation of America, LabCorp).